The following is an entry in ClinVar:

NM_004260.4(RECQL4):c.1472G>T (p.Arg491Leu)

Gene: RECQL4 (RecQ like helicase 4; minus strand). Cytogenetic location: 8q24.3.
Variant type: single nucleotide variant.
Coding change: c.1472G>T on transcript NM_004260.4 (MANE Select); coding-DNA position 1472, G replaced by T.
Protein change: p.Arg491Leu; replaces arginine 491 with leucine.
Molecular consequence: missense variant. On other transcripts: non-coding transcript variant (3).
Genome position (GRCh38, 1-based): chr8:144,515,161, C>A on the plus strand (G>T on the coding strand, the complement: RECQL4 is on the minus strand). VCF-style: chr8-144515161-C-A. GRCh37 (hg19) VCF-style: chr8-145740545-C-A.
Other names: c.1376G>T, p.Arg459Leu (NM_001413017.1, NM_001413020.1); c.1472G>T, p.Arg491Leu (NM_001413018.1, NM_001413019.1, NM_001413033.1 and 2 more transcripts); c.401G>T, p.Arg134Leu (NM_001413021.1, NM_001413022.1, NM_001413023.1 and 8 more transcripts); c.1343G>T, p.Arg448Leu (NM_001413025.1); c.335G>T, p.Arg112Leu (NM_001413027.1, NM_001413030.1, NM_001413031.1 and 2 more transcripts); c.1121G>T, p.Arg374Leu (NM_001413029.1); c.5G>T, p.Arg2Leu (NM_001413043.1); short protein forms R459L, R112L, R2L, R134L, R374L, R491L, R448L.
Identifiers: ClinVar variation 4825876 (VCV004825876.1).

ClinVar aggregate classification (germline): Uncertain significance (1 of 4 stars; one submission).

Conditions:
Inborn genetic diseases. Identifiers: MedGen C0950123, MeSH D030342.

Submission:

Ambry Genetics
Classification: Uncertain significance for Inborn genetic diseases. Last evaluated: 2026-03-12. Review status: criteria provided, single submitter. Criteria: Ambry Variant Classification Scheme 2023. Collection method: clinical testing. Allele origin: germline.
Comment: The p.R491L variant (also known as c.1472G>T), located in coding exon 8 of the RECQL4 gene, results from a G to T substitution at nucleotide position 1472. The arginine at codon 491 is replaced by leucine, an amino acid with dissimilar properties. This amino acid position is conserved. In addition, the in silico prediction for this alteration is inconclusive. Based on the available evidence, the clinical significance of this variant remains unclear.